The following is an entry in ClinVar:

NM_001379500.1(COL18A1):c.2986C>A (p.Pro996Thr)

Genes: COL18A1 (collagen type XVIII alpha 1 chain; plus strand), SLC19A1 (solute carrier family 19 member 1; minus strand). Cytogenetic location: 21q22.3.
Variant type: single nucleotide variant.
Coding change: c.2986C>A on transcript NM_001379500.1 (MANE Select); coding-DNA position 2986, C replaced by A.
Protein change: p.Pro996Thr; replaces proline 996 with threonine.
Molecular consequence: missense variant.
Genome position (GRCh38, 1-based): chr21:45,505,251, C>A. VCF-style: chr21-45505251-C-A. GRCh37 (hg19) VCF-style: chr21-46925165-C-A.
Other names: c.3517C>A, p.Pro1173Thr (NM_030582.4); c.4222C>A, p.Pro1408Thr (NM_130444.3); short protein forms P1173T, P1408T, P996T.
Identifiers: ClinVar variation 2038314 (VCV002038314.2), dbSNP rs1299085321, ClinGen allele CA410499597.
Genomic context (GRCh38, chr21:45,505,251, plus strand): 5'-CCCGGCATCGGCTACGAGGGGCGCCAGGGCCCTCCCGGCCCCCCAGGCCCCCCAGGGCCC[C>A]CTTCATTTCCTGGCCCTCACAGGCAGAGTAAGTCAGTGGGGAGTGGGCCCCGGGCAGAGG-3'
Protein context (NP_001366429.1, residues 986-1006): PPGPPGPPGP[Pro996Thr]SFPGPHRQTI

ClinVar aggregate classification (germline): Uncertain significance (1 of 4 stars; one submission).

Allele frequency attached by ClinVar (database versions not stated): gnomAD exomes 0.00001.
gnomAD v4.1: 7 of 1,606,106 alleles (0.00044%); highest among the groups gnomAD compares: Non-Finnish European, 0.0006%; no homozygotes.

Submission:

Labcorp Genetics (formerly Invitae), Labcorp
Classification: Uncertain significance. Last evaluated: 2022-08-31. Review status: criteria provided, single submitter. Criteria: Invitae Variant Classification Sherloc (09022015). Collection method: clinical testing. Allele origin: germline.
Comment: In summary, the available evidence is currently insufficient to determine the role of this variant in disease. Therefore, it has been classified as a Variant of Uncertain Significance. Experimental studies and prediction algorithms are not available or were not evaluated, and the functional significance of this variant is currently unknown. This variant has not been reported in the literature in individuals affected with COL18A1-related conditions. The frequency data for this variant in the population databases is considered unreliable, as metrics indicate poor data quality at this position in the gnomAD database. This sequence change replaces proline, which is neutral and non-polar, with threonine, which is neutral and polar, at codon 993 of the COL18A1 protein (p.Pro993Thr).